The following is an entry in ClinVar:

ClinVar aggregate classification (germline): Uncertain significance (1 of 4 stars; one submission).

Conditions:
Cardiovascular phenotype. Identifiers: MedGen CN230736.

Allele frequency attached by ClinVar (database versions not stated): gnomAD exomes below 0.00001; gnomAD 0.00002; TOPMed 0.00003.
gnomAD v4.1: 9 of 1,520,580 alleles (0.00059%); highest among the groups gnomAD compares: African/African-American, 0.0041%; no homozygotes.

Submission:

Ambry Genetics
Classification: Uncertain significance for Cardiovascular phenotype. Last evaluated: 2021-11-02. Review status: criteria provided, single submitter. Criteria: Ambry Variant Classification Scheme 2023. Collection method: clinical testing. Allele origin: germline.
Comment: The p.P980S variant (also known as c.2938C>T), located in coding exon 1 of the ZNF469 gene, results from a C to T substitution at nucleotide position 2938. The proline at codon 980 is replaced by serine, an amino acid with similar properties. This amino acid position is conserved. In addition, this alteration is predicted to be tolerated by in silico analysis. Since supporting evidence is limited at this time, the clinical significance of this alteration remains unclear.

NM_001367624.2(ZNF469):c.2938C>T (p.Pro980Ser)

Gene: ZNF469 (zinc finger protein 469; plus strand). Cytogenetic location: 16q24.2.
Variant type: single nucleotide variant.
Coding change: c.2938C>T on transcript NM_001367624.2 (MANE Select); coding-DNA position 2938, C replaced by T.
Protein change: p.Pro980Ser; replaces proline 980 with serine.
Molecular consequence: missense variant.
Genome position (GRCh38, 1-based): chr16:88,430,408, C>T. VCF-style: chr16-88430408-C-T. GRCh37 (hg19) VCF-style: chr16-88496816-C-T.
Other names: NM_001127464.1:c.2938C>T; short protein forms P980S.
Identifiers: ClinVar variation 1797877 (VCV001797877.2), dbSNP rs968886725, ClinGen allele CA286374309.
Genomic context (GRCh38, chr16:88,430,408, plus strand): 5'-TCGGGCGGCGCAGCAGAGGGGTCGGGGTCGGGCGGCGGCGGCAGAGCCTCCGGCCTGAGG[C>T]CCCGGAGGAACGACGGTCTCGGGGAGCGGCCCCCACCCCGTCCCCGGCGCCCTAGAACGC-3'
Protein context (NP_001354553.1, residues 970-990): GGGGRASGLR[Pro980Ser]RRNDGLGERP